The following is an entry in ClinVar:

NM_001384140.1(PCDH15):c.4559A>G (p.His1520Arg)

Gene: PCDH15 (protocadherin related 15; minus strand). Cytogenetic location: 10q21.1.
Variant type: single nucleotide variant.
Coding change: c.4559A>G on transcript NM_001384140.1 (MANE Select); coding-DNA position 4559, A replaced by G.
Protein change: p.His1520Arg; replaces histidine 1520 with arginine.
Molecular consequence: missense variant. On other transcripts: intron variant (5).
Genome position (GRCh38, 1-based): chr10:53,811,552, T>C on the plus strand (A>G on the coding strand, the complement: PCDH15 is on the minus strand). VCF-style: chr10-53811552-T-C. GRCh37 (hg19) VCF-style: chr10-55571312-T-C.
Other names: c.4441A>G, p.Met1481Val (NM_001142770.3); c.4493A>G, p.His1498Arg (NM_001354429.2); c.4368-888A>G (NM_001354420.2); c.4374-888A>G (NM_001142772.2); c.4389-888A>G (NM_001142771.2, NM_001354411.2); c.4410-888A>G (NM_001142769.3); short protein forms H1498R, M1481V, H1520R.
Identifiers: ClinVar variation 4989439 (VCV004989439.1).
Genomic context (GRCh38, chr10:53,811,552, plus strand): 5'-TTCCTATTAATAAAATATTAAAATAAGAATCTGAATTTTAAAAATCTGAAGATGTACCCA[T>C]GCTCATAACTGTAATAATCTTGTCCATATTCCTGGCCAGGATCAATTCCAGACTCCATGG-3'
Protein context (NP_001371069.1, residues 1510-1530): EYGQDYYSYE[His1520Arg]GYEMPQYGSR

ClinVar aggregate classification (germline): Uncertain significance (1 of 4 stars; one submission).

Conditions:
PCDH15-related disorder. Also called: PCDH15-related condition; PCDH15-related disorders.

gnomAD v4.1: 29 of 1,541,880 alleles (0.0019%); highest among the groups gnomAD compares: Non-Finnish European, 0.0024%; no homozygotes.

Submission:

PreventionGenetics, part of Exact Sciences
Classification: Uncertain significance for PCDH15-related condition. Last evaluated: 2026-06-15. Review status: criteria provided, single submitter. Criteria: ACMG Guidelines, 2015. Collection method: clinical testing. Allele origin: germline.
Comment: The PCDH15 c.*10306A>G variant is located in the 3' untranslated region. This variant is predicted to impact splicing via creation of a novel splice donor site based on available splicing prediction programs (SpliceAI, Jaganathan et al. 2019. PubMed ID: 30661751). Additionally, in an alternative transcript (NM_001354429.1) this variant is described as c.4493A>G (p.His1498Arg). To our knowledge, this variant has not been reported in the literature. This variant is reported in 0.0010% of alleles in individuals of European (Non-Finnish) descent in gnomAD. At this time, the clinical significance of this variant is uncertain due to the absence of conclusive functional and genetic evidence.